The following is an entry in ClinVar:

NM_001128840.3(CACNA1D):c.3218G>A (p.Arg1073His)

Gene: CACNA1D (calcium voltage-gated channel subunit alpha1 D; plus strand). Cytogenetic location: 3p21.1.
Variant type: single nucleotide variant.
Coding change: c.3218G>A on transcript NM_001128840.3 (MANE Select); coding-DNA position 3218, G replaced by A.
Protein change: p.Arg1073His; replaces arginine 1073 with histidine.
Molecular consequence: missense variant.
Genome position (GRCh38, 1-based): chr3:53,747,352, G>A. VCF-style: chr3-53747352-G-A. GRCh37 (hg19) VCF-style: chr3-53781379-G-A.
Other names: c.3278G>A, p.Arg1093His (NM_000720.4); c.3218G>A, p.Arg1073His (NM_001128839.3); short protein forms R1073H, R1093H.
Identifiers: ClinVar variation 1338000 (VCV001338000.12), dbSNP rs758204752, ClinGen allele CA2454498.
Genomic context (GRCh38, chr3:53,747,352, plus strand): 5'-TCCTCTCCAGGGGACTTTTCATCCTCTACAAGGATGGGGATGTTGACAGTCCTGTGGTCC[G>A]TGAACGGATCTGGCAAAACAGTGATTTCAACTTCGACAACGTCCTCTCTGCTATGATGGC-3'
Protein context (NP_001122312.1, residues 1063-1083): KDGDVDSPVV[Arg1073His]ERIWQNSDFN

ClinVar aggregate classification (germline): Uncertain significance. Review status: criteria provided, multiple submitters, no conflicts (2 of 4 stars). 3 submissions from 3 submitters: Uncertain significance (3). Last evaluated 2024-05-31.

Allele frequency attached by ClinVar (database versions not stated): gnomAD 0.00001; gnomAD exomes 0.00001; ExAC 0.00002; TOPMed 0.00002.
gnomAD v4.1: 20 of 1,613,772 alleles (0.0012%); highest among the groups gnomAD compares: Admixed American, 0.0033%; no homozygotes.

Submissions (3):

Labcorp Genetics (formerly Invitae), Labcorp
Classification: Uncertain significance. Last evaluated: 2024-05-31. Review status: criteria provided, single submitter. Criteria: Invitae Variant Classification Sherloc (09022015). Collection method: clinical testing. Allele origin: germline.
Comment: This sequence change replaces arginine, which is basic and polar, with histidine, which is basic and polar, at codon 1093 of the CACNA1D protein (p.Arg1093His). This variant is present in population databases (rs758204752, gnomAD 0.003%). This variant has not been reported in the literature in individuals affected with CACNA1D-related conditions. ClinVar contains an entry for this variant (Variation ID: 1338000). Advanced modeling of protein sequence and biophysical properties (such as structural, functional, and spatial information, amino acid conservation, physicochemical variation, residue mobility, and thermodynamic stability) performed at Invitae indicates that this missense variant is not expected to disrupt CACNA1D protein function with a negative predictive value of 80%. In summary, the available evidence is currently insufficient to determine the role of this variant in disease. Therefore, it has been classified as a Variant of Uncertain Significance.

Genetic Services Laboratory, University of Chicago
Classification: Uncertain significance. Last evaluated: 2021-07-03. Review status: criteria provided, single submitter. Criteria: ACMG Guidelines, 2015. Collection method: clinical testing. Allele origin: germline. Affected: no.
Comment: DNA sequence analysis of the CACNA1D gene demonstrated a sequence change, c.3278G>A, in exon 27 that results in an amino acid change, p.Arg1093His. This sequence change does not appear to have been previously described in individuals with CACNA1D-related disorders. This sequence change has been described in three individuals in the gnomAD population database (dbSNP rs758204752). The p.Arg1093His change affects a moderately conserved amino acid residue located in a domain of the CACNA1D protein that is known to be functional. The p.Arg1093His substitution appears to be benign using several in-silico pathogenicity prediction tools (SIFT, PolyPhen2, Align GVGD, REVEL). Due to the lack of functional studies, the clinical significance of the p.Arg1093His change remains unknown at this time.

Breakthrough Genomics
Classification: Uncertain significance. Review status: criteria provided, single submitter. Criteria: ACMG Guidelines, 2015. Collection method: not provided. Allele origin: germline. Inheritance: Autosomal recessive inheritance. Affected: yes.